The following is an entry in ClinVar:

ClinVar aggregate classification (germline): Uncertain significance (1 of 4 stars; one submission).

Conditions:
Hereditary cancer-predisposing syndrome. Also called: Hereditary Cancer Syndrome; Hereditary neoplastic syndrome; Tumor predisposition; Neoplastic Syndromes, Hereditary. Identifiers: Orphanet 140162, MedGen C0027672, MeSH D009386, MONDO:0015356.

Submission:

Ambry Genetics
Classification: Uncertain significance for Hereditary cancer-predisposing syndrome. Last evaluated: 2024-08-20. Review status: criteria provided, single submitter. Criteria: Ambry Variant Classification Scheme 2023. Collection method: clinical testing. Allele origin: germline.
Comment: The c.3451-1G>A intronic variant results from a G to A substitution one nucleotide upstream from coding exon 22 of the ALK gene. This nucleotide position is highly conserved in available vertebrate species. In silico splice site analysis predicts that this alteration will weaken the native splice acceptor site and will result in the creation or strengthening of a novel splice acceptor site. Alterations that disrupt the canonical splice site are expected to cause aberrant splicing, resulting in an abnormal protein or a transcript that is subject to nonsense-mediated mRNA decay. However, loss of function of ALK has not been established as a mechanism of disease. Based on the available evidence, the clinical significance of this alteration remains unclear.

NM_004304.5(ALK):c.3451-1G>A

Gene: ALK (ALK receptor tyrosine kinase; minus strand). Cytogenetic location: 2p23.2.
Variant type: single nucleotide variant.
Coding change: c.3451-1G>A on transcript NM_004304.5 (MANE Select); the canonical splice acceptor site of the intron before coding-DNA position 3451, G replaced by A.
Molecular consequence: splice acceptor variant.
Genome position (GRCh38, 1-based): chr2:29,222,409, C>T on the plus strand (G>A on the coding strand, the complement: ALK is on the minus strand). VCF-style: chr2-29222409-C-T. GRCh37 (hg19) VCF-style: chr2-29445275-C-T.
Other names: c.247-1G>A (NM_001353765.2).
Identifiers: ClinVar variation 3523473 (VCV003523473.1).